The following is an entry in ClinVar:

NM_003468.4(FZD5):c.158del (p.Asn53fs)

Gene: FZD5 (frizzled class receptor 5; minus strand). Cytogenetic location: 2q33.3.
Variant type: Deletion.
Coding change: c.158del on transcript NM_003468.4 (MANE Select); coding-DNA position 158, one base deleted (A; older notation c.158delA).
Protein change: p.Asn53fs; shifts the reading frame from asparagine 53.
Molecular consequence: frameshift variant.
Genome position (GRCh38, 1-based): chr2:207,768,582, T deleted on the plus strand (A on the coding strand, the reverse complement: FZD5 is on the minus strand); the first of 2 consecutive T bases (chr2:207,768,582-207,768,583); deleting either gives the same sequence. VCF-style (leftmost placement, unchanged base first): chr2-207768581-GT-G. GRCh37 (hg19) VCF-style: chr2-208633305-GT-G.
Other names: short protein forms N53fs.
Identifiers: ClinVar variation 2766029 (VCV002766029.3), dbSNP rs2470340653, ClinGen allele CA2697551490.
Genomic context (GRCh38, chr2:207,768,581, plus strand): 5'-CAGCGGCCAGAACTGGTGCACCTCCAGGCCCGCCTCGTCCTGCGTGTCGTGGTTGAACTG[GT>G]TGGGCATGTGCGTCAGGTTGTAGCCGATGCCGCGGCACATGGGCACCGTGATTTCCTGGC-3'

ClinVar aggregate classification (germline): Uncertain significance (1 of 4 stars; one submission).

Submission:

Labcorp Genetics (formerly Invitae), Labcorp
Classification: Uncertain significance. Last evaluated: 2024-01-26. Review status: criteria provided, single submitter. Criteria: Invitae Variant Classification Sherloc (09022015). Collection method: clinical testing. Allele origin: germline.
Comment: This sequence change creates a premature translational stop signal (p.Asn53Thrfs*67) in the FZD5 gene. While this is not anticipated to result in nonsense mediated decay, it is expected to disrupt the last 533 amino acid(s) of the FZD5 protein. This variant is not present in population databases (gnomAD no frequency). This variant has not been reported in the literature in individuals affected with FZD5-related conditions. This premature translational stop signal has been observed in at least one individual who was not affected with FZD5-related conditions (Invitae). In summary, the available evidence is currently insufficient to determine the role of this variant in disease. Therefore, it has been classified as a Variant of Uncertain Significance.